The following is an entry in ClinVar:

NM_001692.4(ATP6V1B1):c.513T>G (p.Ile171Met)

Gene: ATP6V1B1 (ATPase H+ transporting V1 subunit B1; plus strand). Cytogenetic location: 2p13.3.
Variant type: single nucleotide variant.
Coding change: c.513T>G on transcript NM_001692.4 (MANE Select); coding-DNA position 513, T replaced by G.
Protein change: p.Ile171Met; replaces isoleucine 171 with methionine.
Molecular consequence: missense variant.
Genome position (GRCh38, 1-based): chr2:70,960,006, T>G. VCF-style: chr2-70960006-T-G. GRCh37 (hg19) VCF-style: chr2-71187136-T-G.
Other names: short protein forms I171M.
Identifiers: ClinVar variation 3458841 (VCV003458841.2).

ClinVar aggregate classification (germline): Uncertain significance. Review status: criteria provided, multiple submitters, no conflicts (2 of 4 stars). 2 submissions from 2 submitters: Uncertain significance (2). Last evaluated 2025-10-03.

Conditions:
Renal tubular acidosis with progressive nerve deafness. Also called: renal tubular acidosis, distal, 2, with progressive sensorineural hearing loss; Distal Renal Tubular Acidosis with Progressive Sensorineural Deafness; RENAL TUBULAR ACIDOSIS, AUTOSOMAL RECESSIVE, WITH PROGRESSIVE NERVE DEAFNESS; RTA WITH PROGRESSIVE NERVE DEAFNESS. Identifiers: MedGen C0403554, MONDO:0009968, OMIM 267300.
Inborn genetic diseases. Identifiers: MedGen C0950123, MeSH D030342.

gnomAD v4.1: 3 of 1,614,066 alleles (0.00019%); highest among the groups gnomAD compares: Non-Finnish European, 0.00025%; no homozygotes.

Submissions (2):

Rare Kidney Stone Consortium and the Mayo Clinic Hyperoxaluria Center, Mayo Clinic
Classification: Uncertain significance for Renal tubular acidosis with progressive nerve deafness. Last evaluated: 2025-10-03. Review status: criteria provided, single submitter. Criteria: ACMG Guidelines, 2015. Collection method: research. Allele origin: germline. Observed: 1 variant allele.
Comment: ACMG:PM1, PM2, PP3

Ambry Genetics
Classification: Uncertain significance for Inborn genetic diseases. Last evaluated: 2024-08-28. Review status: criteria provided, single submitter. Criteria: Ambry Variant Classification Scheme 2023. Collection method: clinical testing. Allele origin: germline.

Literature cited by the submitters: PubMed 40794449 (cited by Rare Kidney Stone Consortium and the Mayo Clinic Hyperoxaluria Center, Mayo Clinic).